The following is an entry in ClinVar:

NM_003072.5(SMARCA4):c.3262A>G (p.Ile1088Val)

Gene: SMARCA4 (SWI/SNF related BAF chromatin remodeling complex subunit ATPase 4; plus strand). Cytogenetic location: 19p13.2.
Variant type: single nucleotide variant.
Coding change: c.3262A>G on transcript NM_003072.5 (MANE Select); coding-DNA position 3262, A replaced by G.
Protein change: p.Ile1088Val; replaces isoleucine 1088 with valine.
Molecular consequence: missense variant. On other transcripts: non-coding transcript variant (1).
Genome position (GRCh38, 1-based): chr19:11,027,830, A>G. VCF-style: chr19-11027830-A-G. GRCh37 (hg19) VCF-style: chr19-11138506-A-G.
Other names: c.3262A>G, p.Ile1088Val (NM_001128844.3, NM_001128845.2, NM_001128846.2 and 4 more transcripts); short protein forms I1088V.
Identifiers: ClinVar variation 959434 (VCV000959434.9), dbSNP rs2090374012, ClinGen allele CA404061406.

ClinVar aggregate classification (germline): Uncertain significance (1 of 4 stars; one submission).

Conditions:
Rhabdoid tumor predisposition syndrome 2 (RTPS2). Identifiers: Orphanet 231108, Orphanet 69077, MedGen C2750074, MONDO:0013224, OMIM 613325.

Submission:

Labcorp Genetics (formerly Invitae), Labcorp
Classification: Uncertain significance for Rhabdoid tumor predisposition syndrome 2. Last evaluated: 2025-05-30. Review status: criteria provided, single submitter. Criteria: Invitae Variant Classification Sherloc (09022015). Collection method: clinical testing. Allele origin: germline.
Comment: This sequence change replaces isoleucine, which is neutral and non-polar, with valine, which is neutral and non-polar, at codon 1088 of the SMARCA4 protein (p.Ile1088Val). This variant is not present in population databases (gnomAD no frequency). This variant has not been reported in the literature in individuals affected with SMARCA4-related conditions. ClinVar contains an entry for this variant (Variation ID: 959434). Invitae Evidence Modeling of protein sequence and biophysical properties (such as structural, functional, and spatial information, amino acid conservation, physicochemical variation, residue mobility, and thermodynamic stability) has been performed for this missense variant. However, the output from this modeling did not meet the statistical confidence thresholds required to predict the impact of this variant on SMARCA4 protein function. In summary, the available evidence is currently insufficient to determine the role of this variant in disease. Therefore, it has been classified as a Variant of Uncertain Significance.